The following is an entry in ClinVar:

ClinVar aggregate classification (germline): Uncertain significance (1 of 4 stars; one submission).

gnomAD v4.1: 8 of 1,535,616 alleles (0.00052%); highest among the groups gnomAD compares: Middle Eastern, 0.017%; no homozygotes.

Submission:

Labcorp Genetics (formerly Invitae), Labcorp
Classification: Uncertain significance. Last evaluated: 2024-04-09. Review status: criteria provided, single submitter. Criteria: Invitae Variant Classification Sherloc (09022015). Collection method: clinical testing. Allele origin: germline.
Comment: This sequence change replaces glutamine, which is neutral and polar, with arginine, which is basic and polar, at codon 79 of the BBIP1 protein (p.Gln79Arg). This variant is present in population databases (no rsID available, gnomAD 0.007%). This variant has not been reported in the literature in individuals affected with BBIP1-related conditions. An algorithm developed to predict the effect of missense changes on protein structure and function (PolyPhen-2) suggests that this variant is likely to be tolerated. In summary, the available evidence is currently insufficient to determine the role of this variant in disease. Therefore, it has been classified as a Variant of Uncertain Significance.

NM_001195305.3(BBIP1):c.236A>G (p.Gln79Arg)

Gene: BBIP1 (BBSome interacting protein 1; minus strand). Cytogenetic location: 10q25.2.
Variant type: single nucleotide variant.
Coding change: c.236A>G on transcript NM_001195305.3 (MANE Select); coding-DNA position 236, A replaced by G.
Protein change: p.Gln79Arg; replaces glutamine 79 with arginine.
Molecular consequence: missense variant. On other transcripts: 3 prime UTR variant (1).
Genome position (GRCh38, 1-based): chr10:110,900,403, T>C on the plus strand (A>G on the coding strand, the complement: BBIP1 is on the minus strand). VCF-style: chr10-110900403-T-C. GRCh37 (hg19) VCF-style: chr10-112660161-T-C.
Other names: c.236A>G, p.Gln79Arg (NM_001195306.2); c.161A>G, p.Gln54Arg (NM_001195307.2); c.170A>G, p.Gln57Arg (NM_001243783.3); c.*81A>G (NM_001195304.2); short protein forms Q54R, Q57R, Q79R.
Identifiers: ClinVar variation 3615315 (VCV003615315.2).